The following is an entry in ClinVar:

NM_001211.6(BUB1B):c.2813G>C (p.Gly938Ala)

Genes: BUB1B (BUB1 mitotic checkpoint serine/threonine kinase B; plus strand), BUB1B-PAK6 (BUB1B-PAK6 readthrough; plus strand). Cytogenetic location: 15q15.1.
Variant type: single nucleotide variant.
Coding change: c.2813G>C on transcript NM_001211.6 (MANE Select); coding-DNA position 2813, G replaced by C.
Protein change: p.Gly938Ala; replaces glycine 938 with alanine.
Molecular consequence: missense variant. On other transcripts: 5 prime UTR variant (2).
Genome position (GRCh38, 1-based): chr15:40,217,630, G>C. VCF-style: chr15-40217630-G-C. GRCh37 (hg19) VCF-style: chr15-40509831-G-C.
Other names: c.-238G>C (NM_001128628.3); c.-155G>C (NM_001128629.3); short protein forms G938A.
Identifiers: ClinVar variation 4868008 (VCV004868008.1).
Genomic context (GRCh38, chr15:40,217,630, plus strand): 5'-TTAGGGTGCAGCTGGATGTTTTTACCCTCAGCGGCTTTCGGACTGTACAGATCCTGGAAG[G>C]ACAAAAGATCCTGGCTAACTGTTCTTCTCCCTACCAGGTAAGTGTAAAACAAGCCTGAGC-3'
Protein context (NP_001202.5, residues 928-948): SGFRTVQILE[Gly938Ala]QKILANCSSP

ClinVar aggregate classification (germline): Uncertain significance (1 of 4 stars; one submission).

Conditions:
Inborn genetic diseases. Identifiers: MedGen C0950123, MeSH D030342.

Submission:

Ambry Genetics
Classification: Uncertain significance for Inborn genetic diseases. Last evaluated: 2026-05-23. Review status: criteria provided, single submitter. Criteria: Ambry Variant Classification Scheme 2023. Collection method: clinical testing. Allele origin: germline.
Comment: The p.G938A variant (also known as c.2813G>C), located in coding exon 21 of the BUB1B gene, results from a G to C substitution at nucleotide position 2813. The glycine at codon 938 is replaced by alanine, an amino acid with similar properties. This amino acid position is conserved. In addition, this alteration is predicted to be tolerated by in silico analysis. Based on the available evidence, the clinical significance of this variant remains unclear.